The following is an entry in ClinVar:

NM_001162501.2(TNRC6B):c.3564A>C (p.Gln1188His)

Gene: TNRC6B (trinucleotide repeat containing adaptor 6B; plus strand). Cytogenetic location: 22q13.1.
Variant type: single nucleotide variant.
Coding change: c.3564A>C on transcript NM_001162501.2 (MANE Select); coding-DNA position 3564, A replaced by C.
Protein change: p.Gln1188His; replaces glutamine 1188 with histidine.
Molecular consequence: missense variant. On other transcripts: intron variant (2).
Genome position (GRCh38, 1-based): chr22:40,281,271, A>C. VCF-style: chr22-40281271-A-C. GRCh37 (hg19) VCF-style: chr22-40677275-A-C.
Other names: c.1170+1128A>C (NM_001024843.2); c.3252+1128A>C (NM_015088.3); short protein forms Q1188H.
Identifiers: ClinVar variation 2637332 (VCV002637332.1), dbSNP rs899595357, ClinGen allele CA324430084.

ClinVar aggregate classification (germline): Uncertain significance (1 of 4 stars; one submission).

Conditions:
TNRC6B-related disorder. Also called: TNRC6B-related condition.

Allele frequency attached by ClinVar (database versions not stated): TOPMed below 0.00001; gnomAD 0.00001.
gnomAD v4.1: 2 of 1,546,046 alleles (0.00013%); highest among the groups gnomAD compares: African/African-American, 0.0027%; no homozygotes.

Submission:

PreventionGenetics, part of Exact Sciences
Classification: Uncertain significance for TNRC6B-related condition. Last evaluated: 2022-09-09. Review status: criteria provided, single submitter. Criteria: ACMG Guidelines, 2015. Collection method: clinical testing. Allele origin: germline.
Comment: The TNRC6B c.3564A>C variant is predicted to result in the amino acid substitution p.Gln1188His. To our knowledge, this variant has not been reported in the literature or in a large population database, indicating this variant is rare. At this time, the clinical significance of this variant is uncertain due to the absence of conclusive functional and genetic evidence.